The following is an entry in ClinVar:

ClinVar aggregate classification (germline): Likely pathogenic (0 of 4 stars; one submission).

Conditions:
Dilated cardiomyopathy 1S (CMD1S). Identifiers: Orphanet 154, Orphanet 54260, MedGen C1834481, MONDO:0013262, OMIM 613426.

Submission:

Center for Human Genetics and Genomic Medicine, Uniklinik Rwth Aachen
Classification: Likely pathogenic for Dilated cardiomyopathy 1S. Last evaluated: 2022-03-29. Review status: no assertion criteria provided. Collection method: clinical testing. Allele origin: unknown. Inheritance: Autosomal dominant inheritance. Affected: yes.
Comment: The variant is absent from large population studies and has not been reported in the literature yet. It is very likely to affect splicing, and splice variants have been described as pathogenic in MYH7-associated entities. We therefore consider it as being likely pathogenic.

NM_000257.4(MYH7):c.640-2A>T

Gene: MYH7 (myosin heavy chain 7; minus strand). Cytogenetic location: 14q11.2.
Variant type: single nucleotide variant.
Coding change: c.640-2A>T on transcript NM_000257.4 (MANE Select); the canonical splice acceptor site of the intron before coding-DNA position 640, A replaced by T.
Molecular consequence: splice acceptor variant.
Genome position (GRCh38, 1-based): chr14:23,431,679, T>A on the plus strand (A>T on the coding strand, the complement: MYH7 is on the minus strand). VCF-style: chr14-23431679-T-A. GRCh37 (hg19) VCF-style: chr14-23900888-T-A.
Other names: c.640-2A>T (NM_001407004.1).
Identifiers: ClinVar variation 1696840 (VCV001696840.3), dbSNP rs2138681961, ClinGen allele CA389052358.